The following is an entry in ClinVar:

NM_001561.6(TNFRSF9):c.413+1116T>C

Gene: TNFRSF9 (TNF receptor superfamily member 9; minus strand). Cytogenetic location: 1p36.23.
Variant type: single nucleotide variant.
Coding change: c.413+1116T>C on transcript NM_001561.6 (MANE Select); 1116 bases into the intron after coding-DNA position 413, T replaced by C.
Molecular consequence: intron variant.
Genome position (GRCh38, 1-based): chr1:7,936,574, A>G on the plus strand (T>C on the coding strand, the complement: TNFRSF9 is on the minus strand). VCF-style: chr1-7936574-A-G. GRCh37 (hg19) VCF-style: chr1-7996634-A-G.
Identifiers: ClinVar variation 2688454 (VCV002688454.2), dbSNP rs226478, ClinGen allele CA569230.

ClinVar aggregate classification (germline): Benign (1 of 4 stars; one submission).

Allele frequency attached by ClinVar (database versions not stated): gnomAD 0.76755; TOPMed 0.78150; gnomAD exomes 0.80952; 1000 Genomes Project 0.85623; 1000 Genomes Project 30x 0.85775; ExAC 1.00000.
gnomAD v4.1: 116,791 of 152,288 alleles (77%); highest among the groups gnomAD compares: East Asian, 100%; 45,955 homozygotes.

Submission:

Unidad de Genómica Garrahan, Hospital de Pediatría Garrahan
Classification: Benign. Last evaluated: 2024-01-24. Review status: criteria provided, single submitter. Criteria: ACMG Guidelines, 2015. Collection method: clinical testing. Allele origin: germline. Affected: no. Observed: 83 variant alleles.
Comment: This variant is classified as Benign based on local population frequency. This variant was detected in 94% of patients studied by a panel of primary immunodeficiencies. Number of patients: 83. Only high quality variants are reported.